The following is an entry in ClinVar:

ClinVar aggregate classification (germline): Pathogenic/Likely pathogenic. Review status: criteria provided, multiple submitters, no conflicts (2 of 4 stars). 4 submissions from 4 submitters: Pathogenic (3); Likely pathogenic (1). Last evaluated 2023-03-21.

Conditions:
Focal cortical dysplasia. Identifiers: MedGen C2938983, HP:0032046.
Cortical tubers. Identifiers: MedGen C1968959, HP:0009717.
Tuberous sclerosis 2 (TSC2). Identifiers: Orphanet 805, MedGen C1860707, MONDO:0013199, OMIM 613254.

Submissions (4):

Revvity Omics, Revvity
Classification: Pathogenic for Tuberous sclerosis 2. Last evaluated: 2023-03-21. Review status: criteria provided, single submitter. Criteria: ACMG Guidelines, 2015. Collection method: clinical testing. Allele origin: germline.

Genetics Institute, Tel Aviv Sourasky Medical Center
Classification: Pathogenic for Cortical tubers; Focal cortical dysplasia. Last evaluated: 2021-05-12. Review status: criteria provided, single submitter. Criteria: ACMG Guidelines, 2015. Collection method: clinical testing. Allele origin: de novo. Inheritance: Autosomal dominant inheritance.

Labcorp Genetics (formerly Invitae), Labcorp
Classification: Pathogenic for Tuberous sclerosis 2. Last evaluated: 2020-11-18. Review status: criteria provided, single submitter. Criteria: Invitae Variant Classification Sherloc (09022015). Collection method: clinical testing. Allele origin: germline.
Comment: Disruption of this splice site has been observed in individual(s) with clinical features of tuberous sclerosis complex (PMID: 29432982, Invitae). This variant is not present in population databases (ExAC no frequency). This sequence change affects a donor splice site in intron 5 of the TSC2 gene. It is expected to disrupt RNA splicing. Variants that disrupt the donor or acceptor splice site typically lead to a loss of protein function (PMID: 16199547), and loss-of-function variants in TSC2 are known to be pathogenic (PMID: 10205261, 17304050). For these reasons, this variant has been classified as Pathogenic. Algorithms developed to predict the effect of sequence changes on RNA splicing suggest that this variant may disrupt the consensus splice site, but this prediction has not been confirmed by published transcriptional studies.

Neuberg Centre For Genomic Medicine, NCGM
Classification: Likely pathogenic for Tuberous sclerosis 2. Review status: criteria provided, single submitter. Criteria: ACMG Guidelines, 2015. Collection method: clinical testing. Allele origin: germline. Inheritance: Autosomal dominant inheritance. Affected: yes.
Comment: Tuberous sclerosis-2 TSC2 is caused by heterozygous mutation in the TSC2 gene on chromosome 16p13. The TSC2 gene product is known as 'tuberin.' Tuberous sclerosis complex TSC is an autosomal dominant multisystem disorder characterized by hamartomas in multiple organ systems, including the brain, skin, heart, kidneys, and lung. These changes can result in epilepsy, learning difficulties, behavioral problems, and renal failure, among other complications Crino et al., 2006 and Curatolo et al., 2008.

Literature cited by the submitters: PubMed 29432982 (cited by Labcorp Genetics (formerly Invitae), Labcorp); PubMed 16199547 (cited by Labcorp Genetics (formerly Invitae), Labcorp); PubMed 10205261 (cited by Labcorp Genetics (formerly Invitae), Labcorp); PubMed 17304050 (cited by Labcorp Genetics (formerly Invitae), Labcorp).

NM_000548.5(TSC2):c.481+1G>A

Gene: TSC2 (TSC complex subunit 2; plus strand). Cytogenetic location: 16p13.3.
Variant type: single nucleotide variant.
Coding change: c.481+1G>A on transcript NM_000548.5 (MANE Select); the canonical splice donor site of the intron after coding-DNA position 481, G replaced by A.
Molecular consequence: splice donor variant. On other transcripts: intron variant (6).
Genome position (GRCh38, 1-based): chr16:2,054,441, G>A. VCF-style: chr16-2054441-G-A. GRCh37 (hg19) VCF-style: chr16-2104442-G-A.
Other names: c.-1167+1G>A (NM_001406693.1); c.571+1G>A (NM_001406667.1, NM_001406668.1); c.-336+1G>A (NM_001406680.1, NM_001406683.1, NM_001406687.1); c.-951+1G>A (NM_001406689.1, NM_001406690.1, NM_001406692.1 and 2 more transcripts); c.-1127+1G>A (NM_001406698.1); c.481+1G>A (NM_001114382.3, NM_001406663.1, NM_001406664.1 and 8 more transcripts); c.-832+1G>A (NM_001406694.1, NM_001406695.1); c.-939+1G>A (NM_001406696.1); and 6 more.
Identifiers: ClinVar variation 1077128 (VCV001077128.12), dbSNP rs45488500, ClinGen allele CA394308611.
Genomic context (GRCh38, chr16:2,054,441, plus strand): 5'-AGGTTTTCAAGGCCCTCACAGACAATGGGAGACACATCACCTACTTGGAGGAAGAGCTGG[G>A]TGGGTGCCACCTTGGGTTGGAGGTTTCTCTGGCCTTGACGATCAAGTGTAACCTGGATGG-3'